The following is an entry in ClinVar:

ClinVar aggregate classification (germline): Pathogenic (1 of 4 stars; one submission).

Submission:

Labcorp Genetics (formerly Invitae), Labcorp
Classification: Pathogenic. Last evaluated: 2023-07-07. Review status: criteria provided, single submitter. Criteria: Invitae Variant Classification Sherloc (09022015). Collection method: clinical testing. Allele origin: germline.
Comment: This sequence change creates a premature translational stop signal (p.Gly1015*) in the CCDC88C gene. It is expected to result in an absent or disrupted protein product. Loss-of-function variants in CCDC88C are known to be pathogenic (PMID: 23042809, 29225145). For these reasons, this variant has been classified as Pathogenic. This variant has not been reported in the literature in individuals affected with CCDC88C-related conditions. This variant is not present in population databases (gnomAD no frequency).

Literature cited by the submitters: PubMed 23042809; PubMed 29225145.

NM_001080414.4(CCDC88C):c.3043G>T (p.Gly1015Ter)

Gene: CCDC88C (coiled-coil and HOOK domain protein 88C; minus strand). Cytogenetic location: 14q32.11.
Variant type: single nucleotide variant.
Coding change: c.3043G>T on transcript NM_001080414.4 (MANE Select); coding-DNA position 3043, G replaced by T.
Protein change: p.Gly1015Ter; replaces glycine 1015 with a stop codon.
Molecular consequence: nonsense.
Genome position (GRCh38, 1-based): chr14:91,307,190, C>A on the plus strand (G>T on the coding strand, the complement: CCDC88C is on the minus strand). VCF-style: chr14-91307190-C-A. GRCh37 (hg19) VCF-style: chr14-91773534-C-A.
Other names: short protein forms G1015*.
Identifiers: ClinVar variation 2731033 (VCV002731033.3), dbSNP rs2544366495, ClinGen allele CA390625616.
Genomic context (GRCh38, chr14:91,307,190, plus strand): 5'-GACTGGCGGCTGTCTTCCCCGCAGGGTGCTTGAAAGAGTTCTGCAAGTGCTGCCCCTCTC[C>A]CTGGTTCTGCCTGAGGGTCTCACACTCCTTCTTTAGCTACAGGTGTGACAATAAGCAAGG-3'